The following is an entry in ClinVar:

ClinVar aggregate classification (germline): Likely benign. Review status: criteria provided, multiple submitters, no conflicts (2 of 4 stars). 2 submissions from 2 submitters: Likely benign (2). Last evaluated 2024-01-22.

Conditions:
Developmental and epileptic encephalopathy 94 (DEE94). Also called: Epileptic encephalopathy, childhood-onset; CHD2-Related Neurodevelopmental Disorders. Identifiers: Orphanet 1942, Orphanet 2382, MedGen C3809278, MONDO:0014150, OMIM 615369.

Allele frequency attached by ClinVar (database versions not stated): ExAC 0.00001; gnomAD exomes 0.00001 and 0.00003; gnomAD 0.00002; TOPMed 0.00002; ESP Exome Variant Server 0.00015.
gnomAD v4.1: 24 of 1,601,246 alleles (0.0015%); highest among the groups gnomAD compares: Admixed American, 0.0053%; no homozygotes.

Submissions (2):

Labcorp Genetics (formerly Invitae), Labcorp
Classification: Likely benign for Developmental and epileptic encephalopathy 94. Last evaluated: 2024-01-22. Review status: criteria provided, single submitter. Criteria: Invitae Variant Classification Sherloc (09022015). Collection method: clinical testing. Allele origin: germline.

GeneDx
Classification: Likely benign. Last evaluated: 2016-03-15. Review status: criteria provided, single submitter. Criteria: GeneDx Variant Classification (06012015). Collection method: clinical testing. Allele origin: germline. Affected: yes.
Comment: This variant is considered likely benign or benign based on one or more of the following criteria: it is a conservative change, it occurs at a poorly conserved position in the protein, it is predicted to be benign by multiple in silico algorithms, and/or has population frequency not consistent with disease.

NM_001271.4(CHD2):c.4599A>G (p.Leu1533=)

Gene: CHD2 (chromodomain helicase DNA binding protein 2; plus strand). Cytogenetic location: 15q26.1.
Variant type: single nucleotide variant.
Coding change: c.4599A>G on transcript NM_001271.4 (MANE Select); coding-DNA position 4599, A replaced by G.
Protein change: p.Leu1533=; no amino-acid change (leucine 1533 retained).
Molecular consequence: synonymous variant.
Genome position (GRCh38, 1-based): chr15:93,012,351, A>G. VCF-style: chr15-93012351-A-G. GRCh37 (hg19) VCF-style: chr15-93555581-A-G.
Identifiers: ClinVar variation 384417 (VCV000384417.12), dbSNP rs150640503, ClinGen allele CA7748521.
Genomic context (GRCh38, chr15:93,012,351, plus strand): 5'-AAAATTGCTTTTCTAATTCTATAATTCACCAGAACTGTTCATTTTTCTTTTTAGGAACCT[A>G]TGGATTTTTGTTTCCAAGTTTACAGAATTTGATGCTCGAAAACTGCATAAGTTATACAAG-3'
Protein context (NP_001262.3, residues 1523-1543): QEHIKLWRRN[Leu1533=]WIFVSKFTEF